The following is an entry in ClinVar:

ClinVar aggregate classification (germline): Likely pathogenic (1 of 4 stars; one submission).

Submission:

Centre of Medical Genetics, University Hospital Muenster
Classification: Likely pathogenic. Last evaluated: 2024-08-19. Review status: criteria provided, single submitter. Criteria: ACMG Guidelines, 2015. Collection method: clinical testing. Allele origin: unknown. Affected: yes. Observed: 1 variant allele, 1 heterozygote.
Comment: ACMG categories: PVS1,PM2

NM_000421.5(KRT10):c.1030-2A>G

Genes: KRT10 (keratin 10; minus strand), KRT10-AS1 (KRT10 antisense RNA 1; plus strand), LOC126862559 (BRD4-independent group 4 enhancer GRCh37_chr17:38975907-38977106; plus strand). Cytogenetic location: 17q21.2.
Variant type: single nucleotide variant.
Coding change: c.1030-2A>G on transcript NM_000421.5 (MANE Select); the canonical splice acceptor site of the intron before coding-DNA position 1030, A replaced by G.
Molecular consequence: splice acceptor variant.
Genome position (GRCh38, 1-based): chr17:40,820,176, T>C on the plus strand (A>G on the coding strand, the complement: KRT10 is on the minus strand). VCF-style: chr17-40820176-T-C. GRCh37 (hg19) VCF-style: chr17-38976428-T-C.
Other names: c.1030-2A>G (NM_001379366.1).
Identifiers: ClinVar variation 3383433 (VCV003383433.2).
Genomic context (GRCh38, chr17:40,820,176, plus strand): 5'-GATTTATAGCTGGATATCTGTTCAATGTTATTATCAATTTCTGTAGTCAGTTCCTTGCTC[T>C]AGAGTATTAAAAACAAGGAAAAGGGTGAGGAAATTCTGAAATGATAAAACCTCCATGAGT-3'